The following is an entry in ClinVar:

ClinVar aggregate classification (germline): Pathogenic. Review status: criteria provided, single submitter (1 of 4 stars). 2 submissions from 2 submitters: Pathogenic (1). 1 of the submissions does not count toward it. Last evaluated 2015-10-02.

Conditions:
Breast-ovarian cancer, familial, susceptibility to, 1 (BROVCA1). Also called: BRCA1 Hereditary Breast and Ovarian Cancer; OVARIAN CANCER, SUSCEPTIBILITY TO. Identifiers: Orphanet 145, MedGen C2676676, MONDO:0011450, OMIM 604370. Disease mechanism: loss of function.

Submissions (3):

Consortium of Investigators of Modifiers of BRCA1/2 (CIMBA), c/o University of Cambridge
Classification: Pathogenic for Breast-ovarian cancer, familial, susceptibility to, 1. Last evaluated: 2015-10-02. Review status: criteria provided, single submitter. Criteria: CIMBA Mutation Classification guidelines May 2016. Collection method: clinical testing. Allele origin: germline.

Breast Cancer Information Core (BIC) (BRCA1)
Classification: Pathogenic for Breast-ovarian cancer, familial 1. Review status: no assertion criteria provided. Collection method: clinical testing. Allele origin: germline. Affected: yes. Observed: 1 variant allele. Not counted in ClinVar's aggregate classification.

Brotman Baty Institute, University of Washington
No classification provided (evidence only). Condition: Breast-ovarian cancer, familial 1. Review status: no classification provided. Collection method: in vitro. Allele origin: not applicable. Functional consequence: function_uncertain_variant. Not counted in ClinVar's aggregate classification.
ClinVar note: "not provided" was previously submitted as the classification for the variant. However, the classification appeared to be based only on an observation of functional data so it was converted to no classification on 2025-07-30.

NM_007294.4(BRCA1):c.5074G>T (p.Asp1692Tyr)

Gene: BRCA1 (BRCA1 DNA repair associated; minus strand). Cytogenetic location: 17q21.31.
Variant type: single nucleotide variant.
Coding change: c.5074G>T on transcript NM_007294.4 (MANE Select); coding-DNA position 5074, G replaced by T.
Protein change: p.Asp1692Tyr; replaces aspartic acid 1692 with tyrosine.
Molecular consequence: missense variant. On other transcripts: non-coding transcript variant (1).
Genome position (GRCh38, 1-based): chr17:43,067,608, C>A on the plus strand (G>T on the coding strand, the complement: BRCA1 is on the minus strand). VCF-style: chr17-43067608-C-A. GRCh37 (hg19) VCF-style: chr17-41219625-C-A.
Other names: c.1759G>T, p.Asp587Tyr (NM_001408399.1, NM_001408400.1, NM_001408401.1 and 8 more transcripts); c.1756G>T, p.Asp586Tyr (NM_001408406.1, NM_001408407.1, NM_001408408.1); c.1753G>T, p.Asp585Tyr (NM_001408409.1); c.5065G>T, p.Asp1689Tyr (NM_001407645.1, NM_001407644.1); c.5062G>T, p.Asp1688Tyr (NM_001407646.1); c.5059G>T, p.Asp1687Tyr (NM_001407647.1); c.5017G>T, p.Asp1673Tyr (NM_001407648.1); c.5014G>T, p.Asp1672Tyr (NM_001407649.1); and 72 more; short protein forms D1692Y, D1645Y, D1713Y, D588Y, D1396Y, D1538Y, D1602Y, D1604Y.
Identifiers: ClinVar variation 55376 (VCV000055376.7), dbSNP rs80187739, ClinGen allele CA003203.
Genomic context (GRCh38, chr17:43,067,608, plus strand): 5'-CTCGCCTCATGTGGTTTTATGCAGCAGATGCAAGGTATTCTGTAAAGGTTCTTGGTATAC[C>A]TGTTTTCATAACAACATGAGTAGTCTCTTCAGTAATTAGATTAGTTAAAGTGATGTGGTG-3'
Protein context (NP_009225.1, residues 1682-1702): EETTHVVMKT[Asp1692Tyr]AEFVCERTLK